The following is an entry in ClinVar:

NM_001378.3(DYNC1I2):c.586G>T (p.Asp196Tyr)

Gene: DYNC1I2 (dynein cytoplasmic 1 intermediate chain 2; plus strand). Cytogenetic location: 2q31.1.
Variant type: single nucleotide variant.
Coding change: c.586G>T on transcript NM_001378.3 (MANE Select); coding-DNA position 586, G replaced by T.
Protein change: p.Asp196Tyr; replaces aspartic acid 196 with tyrosine.
Molecular consequence: missense variant.
Genome position (GRCh38, 1-based): chr2:171,725,692, G>T. VCF-style: chr2-171725692-G-T. GRCh37 (hg19) VCF-style: chr2-172582202-G-T.
Other names: c.586G>T, p.Asp196Tyr (NM_001271785.2); c.562G>T, p.Asp188Tyr (NM_001271786.2, NM_001271787.2); c.508G>T, p.Asp170Tyr (NM_001271788.2, NM_001271789.2, NM_001271790.2 and 1 more transcripts); c.568G>T, p.Asp190Tyr (NM_001320882.2, NM_001320883.2, NM_001378455.1 and 1 more transcripts); short protein forms D170Y, D188Y, D190Y, D196Y.
Identifiers: ClinVar variation 3389746 (VCV003389746.14).

ClinVar aggregate classification (germline): Uncertain significance (1 of 4 stars; one submission).

Submission:

CeGaT Center for Human Genetics Tuebingen
Classification: Uncertain significance. Last evaluated: 2024-09-01. Review status: criteria provided, single submitter. Criteria: CeGaT Center For Human Genetics Tuebingen Variant Classification Criteria Version 2. Collection method: clinical testing. Allele origin: germline. Affected: yes. Observed: 1 variant allele.
Comment: DYNC1I2: PM2, BP4